The following is an entry in ClinVar:

ClinVar aggregate classification (germline): Benign (3 of 4 stars; one submission).

Conditions:
Breast-ovarian cancer, familial, susceptibility to, 2 (BROVCA2). Also called: BRCA2 Hereditary Breast and Ovarian Cancer. Identifiers: Orphanet 145, MedGen C2675520, MONDO:0012933, OMIM 612555. Disease mechanism: loss of function.

Allele frequency attached by ClinVar (database versions not stated): gnomAD 0.00635 and 0.00688; 1000 Genomes Project 0.00679; 1000 Genomes Project 30x 0.00703; TOPMed 0.00731.
gnomAD v4.1: 961 of 152,196 alleles (0.63%); highest among the groups gnomAD compares: African/African-American, 2.2%; 14 homozygotes.

Submission:

Evidence-based Network for the Interpretation of Germline Mutant Alleles (ENIGMA)
Classification: Benign for Breast-ovarian cancer, familial 2. Last evaluated: 2015-01-12. Review status: reviewed by expert panel. Criteria: ENIGMA BRCA1/2 Classification Criteria (2015). Collection method: curation. Allele origin: germline.
Comment: Class 1 not pathogenic based on frequency >1% in an outbred sampleset. Frequency 0.02846 (African), derived from 1000 genomes (2012-04-30).

NM_000059.4(BRCA2):c.794-494T>C

Gene: BRCA2 (BRCA2 DNA repair associated; plus strand). Cytogenetic location: 13q13.1.
Variant type: single nucleotide variant.
Coding change: c.794-494T>C on transcript NM_000059.4 (MANE Select); 494 bases into the intron before coding-DNA position 794, T replaced by C.
Molecular consequence: intron variant.
Genome position (GRCh38, 1-based): chr13:32,331,778, T>C. VCF-style: chr13-32331778-T-C. GRCh37 (hg19) VCF-style: chr13-32905915-T-C.
Other names: IVS 9-494T>C.
Identifiers: ClinVar variation 209671 (VCV000209671.1), dbSNP rs11571639, ClinGen allele CA276640.